The following is an entry in ClinVar:

NM_001377.3(DYNC2H1):c.12144del (p.Lys4049fs)

Gene: DYNC2H1 (dynein cytoplasmic 2 heavy chain 1; plus strand). Cytogenetic location: 11q22.3.
Variant type: Deletion.
Coding change: c.12144del on transcript NM_001377.3 (MANE Select); coding-DNA position 12144, one base deleted (G; older notation c.12144delG).
Protein change: p.Lys4049fs; shifts the reading frame from lysine 4049.
Molecular consequence: frameshift variant.
Genome position (GRCh38, 1-based): chr11:103,358,347, G deleted. VCF-style (leftmost placement, unchanged base first): chr11-103358346-AG-A. GRCh37 (hg19) VCF-style: chr11-103229074-AG-A.
Other names: c.12165del, p.Lys4056fs (NM_001080463.2); short protein forms K4049fs, K4056fs.
Identifiers: ClinVar variation 5014872 (VCV005014872.1).

ClinVar aggregate classification (germline): Pathogenic (1 of 4 stars; one submission).

Conditions:
Asphyxiating thoracic dystrophy 3. Also called: SHORT-RIB THORACIC DYSPLASIA 3 WITH OR WITHOUT POLYDACTYLY; POLYDACTYLY WITH NEONATAL CHONDRODYSTROPHY, TYPE I; SHORT-RIB THORACIC DYSPLASIA 3/6 WITH POLYDACTYLY, DIGENIC; Short rib polydactyly syndrome 2B; Saldino-Noonan Syndrome. Identifiers: Orphanet 474, Orphanet 93269, Orphanet 93270, Orphanet 93271, MedGen C0036069, MONDO:0013127, OMIM 613091.

Submission:

Myriad Genetics, Inc.
Classification: Pathogenic for Asphyxiating thoracic dystrophy 3. Last evaluated: 2025-08-13. Review status: criteria provided, single submitter. Criteria: Myriad Autosomal Dominant, Autosomal Recessive and X-Linked Classification Criteria (2023). Collection method: clinical testing. Allele origin: unknown.
Comment: NM_001377.2(DYNC2H1):c.12144delG(K4049Nfs*2) is expected to be pathogenic in the context of DYNC2H1-related disorders. This variant is predicted to lead to an abnormal or absent protein product due to the creation of a premature termination codon in DYNC2H1, a gene where loss-of-function variants are known to be pathogenic. Please note: this variant was assessed in the context of healthy population screening.